The following is an entry in ClinVar:

ClinVar aggregate classification (germline): Uncertain significance (1 of 4 stars; one submission).

Conditions:
Ehlers-Danlos syndrome, classic type, 1 (EDSCL1). Also called: EDS I; EHLERS-DANLOS SYNDROME, GRAVIS TYPE; EHLERS-DANLOS SYNDROME, SEVERE CLASSIC TYPE; Ehlers-Danlos syndrome, type 1; Ehlers-Danlos Syndrome, Classic Type, COL5A1-Related. Identifiers: MedGen C0268335, MONDO:0019567, OMIM 130000.

Submission:

Labcorp Genetics (formerly Invitae), Labcorp
Classification: Uncertain significance for Ehlers-Danlos syndrome, classic type, 1. Last evaluated: 2024-02-23. Review status: criteria provided, single submitter. Criteria: Invitae Variant Classification Sherloc (09022015). Collection method: clinical testing. Allele origin: germline.
Comment: This sequence change replaces cysteine, which is neutral and slightly polar, with tyrosine, which is neutral and polar, at codon 76 of the COL5A2 protein (p.Cys76Tyr). This variant is not present in population databases (gnomAD no frequency). This variant has not been reported in the literature in individuals affected with COL5A2-related conditions. Advanced modeling of protein sequence and biophysical properties (such as structural, functional, and spatial information, amino acid conservation, physicochemical variation, residue mobility, and thermodynamic stability) has been performed at Invitae for this missense variant, however the output from this modeling did not meet the statistical confidence thresholds required to predict the impact of this variant on COL5A2 protein function. In summary, the available evidence is currently insufficient to determine the role of this variant in disease. Therefore, it has been classified as a Variant of Uncertain Significance.

NM_000393.5(COL5A2):c.227G>A (p.Cys76Tyr)

Gene: COL5A2 (collagen type V alpha 2 chain; minus strand). Cytogenetic location: 2q32.2.
Variant type: single nucleotide variant.
Coding change: c.227G>A on transcript NM_000393.5 (MANE Select); coding-DNA position 227, G replaced by A.
Protein change: p.Cys76Tyr; replaces cysteine 76 with tyrosine.
Molecular consequence: missense variant.
Genome position (GRCh38, 1-based): chr2:189,110,320, C>T on the plus strand (G>A on the coding strand, the complement: COL5A2 is on the minus strand). VCF-style: chr2-189110320-C-T. GRCh37 (hg19) VCF-style: chr2-189975046-C-T.
Other names: short protein forms C76Y.
Identifiers: ClinVar variation 2966651 (VCV002966651.3), dbSNP rs2469425204, ClinGen allele CA349867984.